The following is an entry in ClinVar:

NM_006567.5(FARS2):c.308G>C (p.Gly103Ala)

Genes: FARS2 (phenylalanyl-tRNA synthetase 2, mitochondrial; plus strand), LOC126859565 (CDK7 strongly-dependent group 2 enhancer GRCh37_chr6:5368745-5369944; plus strand). Cytogenetic location: 6p25.1.
Variant type: single nucleotide variant.
Coding change: c.308G>C on transcript NM_006567.5 (MANE Select); coding-DNA position 308, G replaced by C.
Protein change: p.Gly103Ala; replaces glycine 103 with alanine.
Molecular consequence: missense variant. On other transcripts: intron variant (2).
Genome position (GRCh38, 1-based): chr6:5,368,878, G>C. VCF-style: chr6-5368878-G-C. GRCh37 (hg19) VCF-style: chr6-5369111-G-C.
Other names: c.308G>C, p.Gly103Ala (NM_001318872.2, NM_001374875.1, NM_001374876.1 and 5 more transcripts); c.-340-27755G>C (NM_001375260.1); c.-84-35664G>C (NM_001375259.1); short protein forms G103A.
Identifiers: ClinVar variation 1383168 (VCV001383168.8), dbSNP rs752460037, ClinGen allele CA362735010.
Genomic context (GRCh38, chr6:5,368,878, plus strand): 5'-ATCACCCTCTGTGGCTGATCAAGGAGAGGGTGAAGGAGCACTTCTACAAGCAGTATGTGG[G>C]CCGCTTTGGGACCCCGTTGTTCTCGGTCTACGACAACCTTTCTCCAGTGGTCACGACCTG-3'
Protein context (NP_006558.1, residues 93-113): VKEHFYKQYV[Gly103Ala]RFGTPLFSVY

ClinVar aggregate classification (germline): Uncertain significance (1 of 4 stars; one submission).

Conditions:
Combined oxidative phosphorylation defect type 14. Also called: Combined oxidative phosphorylation deficiency 14. Identifiers: Orphanet 319519, MedGen C4755312, MONDO:0013986, OMIM 614946.

Submission:

Labcorp Genetics (formerly Invitae), Labcorp
Classification: Uncertain significance for Combined oxidative phosphorylation defect type 14. Last evaluated: 2022-07-26. Review status: criteria provided, single submitter. Criteria: Invitae Variant Classification Sherloc (09022015). Collection method: clinical testing. Allele origin: germline.
Comment: This sequence change replaces glycine, which is neutral and non-polar, with alanine, which is neutral and non-polar, at codon 103 of the FARS2 protein (p.Gly103Ala). This variant is not present in population databases (gnomAD no frequency). This variant has not been reported in the literature in individuals affected with FARS2-related conditions. ClinVar contains an entry for this variant (Variation ID: 1383168). Advanced modeling of protein sequence and biophysical properties (such as structural, functional, and spatial information, amino acid conservation, physicochemical variation, residue mobility, and thermodynamic stability) performed at Invitae indicates that this missense variant is not expected to disrupt FARS2 protein function. In summary, the available evidence is currently insufficient to determine the role of this variant in disease. Therefore, it has been classified as a Variant of Uncertain Significance.